The following is an entry in ClinVar:

GRCh38/hg38 19p13.2(chr19:11807758-11868554)x3

Genes: ZNF439 (zinc finger protein 439; plus strand), ZNF440 (zinc finger protein 440; plus strand), ZNF491 (zinc finger protein 491; plus strand), LOC130063609 (ATAC-STARR-seq lymphoblastoid silent region 10132; plus strand), LOC130063610 (ATAC-STARR-seq lymphoblastoid silent region 10133; plus strand) and 1 more. Cytogenetic location: 19p13.2.
Variant type: copy number gain.
Change: copy number 3 (three copies instead of two) of chr19:11,807,758-11,868,554 (60.8 kb, GRCh38 coordinates, 1-based), cytogenetic band 19p13.2.
Identifiers: ClinVar variation 60236 (VCV000060236.1).

ClinVar aggregate classification (germline): Uncertain significance (1 of 4 stars; one submission).

Submission:

ISCA site 15
Classification: Uncertain significance. Last evaluated: 2011-08-12. Review status: criteria provided, single submitter. Criteria: Kaminsky et al. (Genet Med. 2011). Collection method: clinical testing. Allele origin: unknown. Affected: yes. Observed: 1 variant allele.
Comment: Copy number variation identified through the course of routine clinical cytogenomic testing in postnatal populations. Clinical assertions have been curated as described in Kaminsky et al. 2011.